The following is an entry in ClinVar:

ClinVar aggregate classification (germline): Uncertain significance (1 of 4 stars; one submission).

gnomAD v4.1: 2 of 1,613,104 alleles (0.00012%); highest among the groups gnomAD compares: Non-Finnish European, 0.00017%; no homozygotes.

Submission:

Labcorp Genetics (formerly Invitae), Labcorp
Classification: Uncertain significance. Last evaluated: 2024-02-03. Review status: criteria provided, single submitter. Criteria: Invitae Variant Classification Sherloc (09022015). Collection method: clinical testing. Allele origin: germline.
Comment: This sequence change affects the initiator methionine of the SEPT9 mRNA. The next in-frame methionine is located at codon 147. This variant is not present in population databases (gnomAD no frequency). This variant has not been reported in the literature in individuals affected with SEPT9-related conditions. Experimental studies and prediction algorithms are not available or were not evaluated, and the functional significance of this variant is currently unknown. In summary, the available evidence is currently insufficient to determine the role of this variant in disease. Therefore, it has been classified as a Variant of Uncertain Significance.

NM_006640.5(SEPTIN9):c.2T>A (p.Met1Lys)

Gene: SEPTIN9 (septin 9; plus strand). Cytogenetic location: 17q25.3.
Variant type: single nucleotide variant.
Coding change: c.2T>A on transcript NM_006640.5 (MANE Plus Clinical); coding-DNA position 2, T replaced by A.
Protein change: p.Met1Lys; changes the start codon (methionine 1).
Molecular consequence: missense variant, initiator codon variant. On other transcripts: intron variant (3).
Genome position (GRCh38, 1-based): chr17:77,320,328, T>A. VCF-style: chr17-77320328-T-A. GRCh37 (hg19) VCF-style: chr17-75316410-T-A.
Other names: c.76+13131T>A (NM_001113491.2); c.19+38774T>A (NM_001293695.2); c.-417+13131T>A (NM_001113492.2); short protein forms M1K.
Identifiers: ClinVar variation 3691230 (VCV003691230.2).